The following is an entry in ClinVar:

ClinVar aggregate classification (germline): Uncertain significance (1 of 4 stars; one submission).

Allele frequency attached by ClinVar (database versions not stated): gnomAD exomes below 0.00001; gnomAD 0.00001.

Submission:

GeneDx
Classification: Uncertain significance. Last evaluated: 2025-09-25. Review status: criteria provided, single submitter. Criteria: GeneDx Variant Classification Process June 2021. Collection method: clinical testing. Allele origin: germline. Affected: yes.
Comment: Has not been previously published as pathogenic or benign to our knowledge; No data available from control populations to assess the frequency of this variant; Located in a regulatory region; in the absence of functional studies, the actual effect of this sequence change is unknown

NC_000012.12:g.120978493A>G

Gene: HNF1A (HNF1 homeobox A; plus strand). Cytogenetic location: 12q24.31.
Variant type: single nucleotide variant.
Genome position: GRCh38 VCF-style: chr12-120978493-A-G. GRCh37 (hg19) VCF-style: chr12-121416296-A-G.
Identifiers: ClinVar variation 1697171 (VCV001697171.4), dbSNP rs1876057794, ClinGen allele CA952551452.